The following is an entry in ClinVar:

ClinVar aggregate classification (germline): Likely benign. Review status: criteria provided, multiple submitters, no conflicts (2 of 4 stars). 2 submissions from 2 submitters: Likely benign (2). Last evaluated 2025-11-25.

Conditions:
Ehlers-Danlos syndrome, classic type, 1 (EDSCL1). Also called: Ehlers-Danlos Syndrome, Classic Type, COL5A1-Related; EDS I; Ehlers-Danlos syndrome, type 1; EHLERS-DANLOS SYNDROME, GRAVIS TYPE; EHLERS-DANLOS SYNDROME, SEVERE CLASSIC TYPE. Identifiers: MedGen C0268335, MONDO:0019567, OMIM 130000.

Allele frequency attached by ClinVar (database versions not stated): gnomAD exomes 0.00002; ExAC 0.00004; 1000 Genomes Project 30x 0.00031; gnomAD below 0.00001 and 0.00002; 1000 Genomes Project 0.00020; TOPMed 0.00001.
gnomAD v4.1: 35 of 1,604,644 alleles (0.0022%); highest among the groups gnomAD compares: Middle Eastern, 0.05%; no homozygotes.

Submissions (2):

Labcorp Genetics (formerly Invitae), Labcorp
Classification: Likely benign for Ehlers-Danlos syndrome, classic type, 1. Last evaluated: 2025-11-25. Review status: criteria provided, single submitter. Criteria: Invitae Variant Classification Sherloc (09022015). Collection method: clinical testing. Allele origin: germline.

GeneDx
Classification: Likely benign. Last evaluated: 2017-06-14. Review status: criteria provided, single submitter. Criteria: GeneDx Variant Classification (06012015). Collection method: clinical testing. Allele origin: germline. Affected: yes.
Comment: This variant is considered likely benign or benign based on one or more of the following criteria: it is a conservative change, it occurs at a poorly conserved position in the protein, it is predicted to be benign by multiple in silico algorithms, and/or has population frequency not consistent with disease.

NM_000093.5(COL5A1):c.5370+18C>T

Genes: COL5A1 (collagen type V alpha 1 chain; plus strand), LOC101448202 (uncharacterized LOC101448202; minus strand). Cytogenetic location: 9q34.3.
Variant type: single nucleotide variant.
Coding change: c.5370+18C>T on transcript NM_000093.5 (MANE Select); 18 bases into the intron after coding-DNA position 5370, C replaced by T.
Molecular consequence: intron variant.
Genome position (GRCh38, 1-based): chr9:134,835,222, C>T. VCF-style: chr9-134835222-C-T. GRCh37 (hg19) VCF-style: chr9-137727068-C-T.
Other names: c.5370+18C>T (NM_001278074.1).
Identifiers: ClinVar variation 517975 (VCV000517975.6), dbSNP rs370535777, ClinGen allele CA5320708.
Genomic context (GRCh38, chr9:134,835,222, plus strand): 5'-TGACAACAACCCCTACATCCGCGCCCTGGTGGACGGCTGTGCTGTGAGTATCCCGCGCCG[C>T]GCCCAGCACCCCTGCTCACGCCTCCGTGGGGCTCGCTCCTCACTCAGCACGGGTTTACCT-3'